The following is an entry in ClinVar:

NC_000007.13:g.(?_21775238)_(21847687_?)del

Gene: DNAH11 (dynein axonemal heavy chain 11; plus strand). Cytogenetic location: 7p15.3.
Variant type: Deletion.
Identifiers: ClinVar variation 3245634 (VCV003245634.1).

ClinVar aggregate classification (germline): Pathogenic (1 of 4 stars; one submission).

Conditions:
Primary ciliary dyskinesia. Also called: Ciliary dyskinesia. Identifiers: Orphanet 244, MedGen C0008780, MONDO:0016575, HP:0012265.

Submission:

Labcorp Genetics (formerly Invitae), Labcorp
Classification: Pathogenic for Primary ciliary dyskinesia. Last evaluated: 2024-01-02. Review status: criteria provided, single submitter. Criteria: Invitae Variant Classification Sherloc (09022015). Collection method: clinical testing. Allele origin: unknown.
Comment: This variant is a gross deletion of the genomic region encompassing exon(s) 46-63 of the DNAH11 gene. This variant would be expected to be in-frame, preserving the integrity of the reading frame. This variant has not been reported in the literature in individuals affected with DNAH11-related conditions. This variant disrupts a region of the DNAH11 protein in which other variant(s) (p.Asp2576Gly) have been determined to be pathogenic (Invitae). This suggests that this is a clinically significant region of the protein, and that variants that disrupt it are likely to be disease-causing. For these reasons, this variant has been classified as Pathogenic.